The following is an entry in ClinVar:

NM_000256.3(MYBPC3):c.653delinsGCTGGTGACCC (p.Lys218delinsSerTrpTer)

Gene: MYBPC3 (myosin binding protein C3; minus strand). Cytogenetic location: 11p11.2.
Variant type: Indel.
Coding change: c.653delinsGCTGGTGACCC on transcript NM_000256.3 (MANE Select); coding-DNA position 653, A replaced by GCTGGTGACCC.
Protein change: p.Lys218delinsSerTrpTer.
Molecular consequence: nonsense.
Genome position (GRCh38, 1-based): chr11:47,349,775, T replaced by GGGTCACCAGC on the plus strand (A replaced by GCTGGTGACCC on the coding strand, the reverse complement: MYBPC3 is on the minus strand). VCF-style: chr11-47349775-T-GGGTCACCAGC. GRCh37 (hg19) VCF-style: chr11-47371326-T-GGGTCACCAGC.
Other names: c.653delAinsGCTGGTGACCC (NM_000256.3).
Identifiers: ClinVar variation 1754105 (VCV001754105.2), dbSNP rs2495780114, ClinGen allele CA2580084223.

ClinVar aggregate classification (germline): Pathogenic (1 of 4 stars; one submission).

Conditions:
Cardiovascular phenotype. Identifiers: MedGen CN230736.

Submission:

Ambry Genetics
Classification: Pathogenic for Cardiovascular phenotype. Last evaluated: 2021-11-10. Review status: criteria provided, single submitter. Criteria: Ambry Variant Classification Scheme 2023. Collection method: clinical testing. Allele origin: germline.
Comment: The c.653delAins11 variant, located in coding exon 5 of the MYBPC3 gene, results from the deletion of one nucleotide and insertion of 11 nucleotides causing a translational frameshift with a predicted alternate stop codon (p.K218Sfs*3). This alteration is expected to result in loss of function by premature protein truncation or nonsense-mediated mRNA decay. As such, this alteration is interpreted as a disease-causing mutation.